The following is an entry in ClinVar:

NM_018127.7(ELAC2):c.2108+73G>A

Gene: ELAC2 (elaC ribonuclease Z 2; minus strand). Cytogenetic location: 17p12.
Variant type: single nucleotide variant.
Coding change: c.2108+73G>A on transcript NM_018127.7 (MANE Select); 73 bases into the intron after coding-DNA position 2108, G replaced by A.
Molecular consequence: intron variant.
Genome position (GRCh38, 1-based): chr17:12,994,352, C>T on the plus strand (G>A on the coding strand, the complement: ELAC2 is on the minus strand). VCF-style: chr17-12994352-C-T. GRCh37 (hg19) VCF-style: chr17-12897669-C-T.
Other names: c.1988+73G>A (NM_001165962.2); c.2105+73G>A (NM_173717.2).
Identifiers: ClinVar variation 676214 (VCV000676214.2), dbSNP rs56329828, ClinGen allele CA14473288.
Genomic context (GRCh38, chr17:12,994,352, plus strand): 5'-CAAGGAAGCCCCCATAGCCCTTGATAGGAAGCAGGGCAGCCCCACATCAGTGGAGACAAA[C>T]GACGGCTGCTCAGTGTCACGTAGTGGGGGAGGGAGAGGATGTGGGCGACAAGGACTGACC-3'

ClinVar aggregate classification (germline): Benign. Review status: criteria provided, multiple submitters, no conflicts (2 of 4 stars). 2 submissions from 2 submitters: Benign (2). Last evaluated 2018-06-18.

Allele frequency attached by ClinVar (database versions not stated): 1000 Genomes Project 0.04992; TOPMed 0.08353; gnomAD 0.08415 and 0.08506; gnomAD exomes 0.11366.
gnomAD v4.1: 172,293 of 1,552,668 alleles (11%); highest among the groups gnomAD compares: Middle Eastern, 20%; 10,784 homozygotes.

Submissions (2):

GeneDx
Classification: Benign. Last evaluated: 2018-06-18. Review status: criteria provided, single submitter. Criteria: GeneDx Variant Classification (06012015). Collection method: clinical testing. Allele origin: germline. Affected: yes.
Comment: This variant is considered likely benign or benign based on one or more of the following criteria: it is a conservative change, it occurs at a poorly conserved position in the protein, it is predicted to be benign by multiple in silico algorithms, and/or has population frequency not consistent with disease.

Breakthrough Genomics
Classification: Benign. Review status: criteria provided, single submitter. Criteria: ACMG Guidelines, 2015. Collection method: not provided. Allele origin: germline. Inheritance: Autosomal recessive inheritance. Affected: yes.